The following is an entry in ClinVar:

ClinVar aggregate classification (germline): Conflicting classifications of pathogenicity. Review status: criteria provided, conflicting classifications (1 of 4 stars). 8 submissions from 8 submitters: Uncertain significance (1); Benign (3); Likely benign (4). Last evaluated 2026-02-01.

Conditions:
Spastic paraplegia. Identifiers: MedGen C0037772, HP:0001258.
Hereditary spastic paraplegia. Also called: Familial spastic paraparesis. Identifiers: Orphanet 685, MedGen C0037773, MONDO:0019064. Disease mechanism: loss of function.
Hereditary spastic paraplegia 15 (SPG15). Also called: SPASTIC PARAPLEGIA AND RETINAL DEGENERATION; SPASTIC PARAPLEGIA 15, AUTOSOMAL RECESSIVE; KJELLIN SYNDROME. Identifiers: Orphanet 100996, MedGen C1849128, MONDO:0010044, OMIM 270700.

Allele frequency attached by ClinVar (database versions not stated): gnomAD exomes 0.00022 and 0.00067; ExAC 0.00086; 1000 Genomes Project 0.00200; 1000 Genomes Project 30x 0.00250; gnomAD 0.00259 and 0.00291; ESP Exome Variant Server 0.00315; TOPMed 0.00318.
gnomAD v4.1: 733 of 1,614,190 alleles (0.045%); highest among the groups gnomAD compares: African/African-American, 0.91%; 5 homozygotes.

Submissions (8):

CeGaT Center for Human Genetics Tuebingen
Classification: Likely benign. Last evaluated: 2026-02-01. Review status: criteria provided, single submitter. Criteria: CeGaT Center For Human Genetics Tuebingen Variant Classification Criteria Version 2. Collection method: clinical testing. Allele origin: germline. Affected: yes. Observed: 1 variant allele.
Comment: ZFYVE26: BP4, BP7

Labcorp Genetics (formerly Invitae), Labcorp
Classification: Benign for Spastic paraplegia. Last evaluated: 2026-01-27. Review status: criteria provided, single submitter. Criteria: Invitae Variant Classification Sherloc (09022015). Collection method: clinical testing. Allele origin: germline.

Blueprint Genetics
Classification: Likely benign. Last evaluated: 2024-09-02. Review status: criteria provided, single submitter. Criteria: ACMG Guidelines, 2015. Collection method: clinical testing. Allele origin: germline.

GeneDx
Classification: Likely benign. Last evaluated: 2021-04-25. Review status: criteria provided, single submitter. Criteria: GeneDx Variant Classification Process June 2021. Collection method: clinical testing. Allele origin: germline. Affected: yes.

Genome Diagnostics Laboratory, The Hospital for Sick Children
Classification: Likely benign for Hereditary spastic paraplegia. Last evaluated: 2018-12-01. Review status: criteria provided, single submitter. Criteria: ACMG Guidelines, 2015. Collection method: clinical testing. Allele origin: germline. Affected: yes.

Illumina Laboratory Services, Illumina
Classification: Uncertain significance for Hereditary spastic paraplegia 15. Last evaluated: 2018-01-13. Review status: criteria provided, single submitter. Criteria: ICSL Variant Classification Criteria 13 December 2019. Collection method: clinical testing. Allele origin: germline.

Athena Diagnostics
Classification: Benign. Last evaluated: 2017-01-09. Review status: criteria provided, single submitter. Criteria: Athena Diagnostics Criteria. Collection method: clinical testing. Allele origin: germline.

Eurofins Ntd Llc (ga)
Classification: Benign. Last evaluated: 2016-08-17. Review status: criteria provided, single submitter. Criteria: EGL Classification Definitions 2015. Collection method: clinical testing. Allele origin: germline. Observed: 1 variant allele, 1 heterozygote.

NM_015346.4(ZFYVE26):c.5121A>C (p.Gly1707=)

Gene: ZFYVE26 (zinc finger FYVE-type containing 26; minus strand). Cytogenetic location: 14q24.1.
Variant type: single nucleotide variant.
Coding change: c.5121A>C on transcript NM_015346.4 (MANE Select); coding-DNA position 5121, A replaced by C.
Protein change: p.Gly1707=; no amino-acid change (glycine 1707 retained).
Molecular consequence: synonymous variant.
Genome position (GRCh38, 1-based): chr14:67,775,960, T>G on the plus strand (A>C on the coding strand, the complement: ZFYVE26 is on the minus strand). VCF-style: chr14-67775960-T-G. GRCh37 (hg19) VCF-style: chr14-68242677-T-G.
Identifiers: ClinVar variation 289453 (VCV000289453.30), dbSNP rs143981992, ClinGen allele CA7239587.
Genomic context (GRCh38, chr14:67,775,960, plus strand): 5'-TTTCTCTGCGTATCTGGAAAGCAGTGAGTCCACCTCGTCCATAGTGAAGCCAATCTCCTG[T>G]CCAACCAGCAGCTGCTGGAGAGTCTGCACAGCCACAGTGGCCCAATCCACCTTCATGTTC-3'
Protein context (NP_056161.2, residues 1697-1717): AVQTLQQLLV[Gly1707=]QEIGFTMDEV